The following is an entry in ClinVar:

NM_001128228.3(TPRN):c.1203G>T (p.Arg401Ser)

Gene: TPRN (taperin; minus strand). Cytogenetic location: 9q34.3.
Variant type: single nucleotide variant.
Coding change: c.1203G>T on transcript NM_001128228.3 (MANE Select); coding-DNA position 1203, G replaced by T.
Protein change: p.Arg401Ser; replaces arginine 401 with serine.
Molecular consequence: missense variant.
Genome position (GRCh38, 1-based): chr9:137,199,509, C>A on the plus strand (G>T on the coding strand, the complement: TPRN is on the minus strand). VCF-style: chr9-137199509-C-A. GRCh37 (hg19) VCF-style: chr9-140093961-C-A.
Other names: short protein forms R401S.
Identifiers: ClinVar variation 3899641 (VCV003899641.2).

ClinVar aggregate classification (germline): Uncertain significance. Review status: criteria provided, multiple submitters, no conflicts (2 of 4 stars). 2 submissions from 2 submitters: Uncertain significance (2). Last evaluated 2025-09-10.

Conditions:
Inborn genetic diseases. Identifiers: MedGen C0950123, MeSH D030342.

gnomAD v4.1: 2 of 1,578,448 alleles (0.00013%); highest among the groups gnomAD compares: African/African-American, 0.0013%; no homozygotes.

Submissions (2):

Ambry Genetics
Classification: Uncertain significance for Inborn genetic diseases. Last evaluated: 2025-09-10. Review status: criteria provided, single submitter. Criteria: Ambry Variant Classification Scheme 2023. Collection method: clinical testing. Allele origin: germline.

GeneDx
Classification: Uncertain significance. Last evaluated: 2024-11-13. Review status: criteria provided, single submitter. Criteria: GeneDx Variant Classification Process June 2021. Collection method: clinical testing. Allele origin: germline. Affected: yes.
Comment: Not observed at significant frequency in large population cohorts (gnomAD); In silico analysis indicates that this missense variant does not alter protein structure/function; Has not been previously published as pathogenic or benign to our knowledge